The following is an entry in ClinVar:

NM_000540.3(RYR1):c.2550C>G (p.Phe850Leu)

Gene: RYR1 (ryanodine receptor 1; plus strand). Cytogenetic location: 19q13.2.
Variant type: single nucleotide variant.
Coding change: c.2550C>G on transcript NM_000540.3 (MANE Select); coding-DNA position 2550, C replaced by G.
Protein change: p.Phe850Leu; replaces phenylalanine 850 with leucine.
Molecular consequence: missense variant.
Genome position (GRCh38, 1-based): chr19:38,460,564, C>G. VCF-style: chr19-38460564-C-G. GRCh37 (hg19) VCF-style: chr19-38951204-C-G.
Other names: c.2550C>G, p.Phe850Leu (NM_001042723.2); short protein forms F850L.
Identifiers: ClinVar variation 851491 (VCV000851491.9), dbSNP rs757850226, ClinGen allele CA405630261.

ClinVar aggregate classification (germline): Uncertain significance. Review status: criteria provided, multiple submitters, no conflicts (2 of 4 stars). 2 submissions from 2 submitters: Uncertain significance (2). Last evaluated 2024-02-20.

Conditions:
RYR1-related disorder. Also called: RYR1-related disorders; RYR1-related condition. Identifiers: MedGen CN239331.

gnomAD v4.1: 1 of 1,613,182 alleles (0.000062%); highest among the groups gnomAD compares: Admixed American, 0.0017%; no homozygotes.

Submissions (2):

GeneDx
Classification: Uncertain significance. Last evaluated: 2024-02-20. Review status: criteria provided, single submitter. Criteria: GeneDx Variant Classification Process June 2021. Collection method: clinical testing. Allele origin: germline. Affected: yes.
Comment: Not observed at significant frequency in large population cohorts (gnomAD); In silico analysis supports that this missense variant has a deleterious effect on protein structure/function; Has not been previously published as pathogenic or benign to our knowledge

Labcorp Genetics (formerly Invitae), Labcorp
Classification: Uncertain significance for RYR1-related disorder. Last evaluated: 2023-11-28. Review status: criteria provided, single submitter. Criteria: Invitae Variant Classification Sherloc (09022015). Collection method: clinical testing. Allele origin: germline.
Comment: This sequence change replaces phenylalanine, which is neutral and non-polar, with leucine, which is neutral and non-polar, at codon 850 of the RYR1 protein (p.Phe850Leu). This variant is not present in population databases (gnomAD no frequency). This variant has not been reported in the literature in individuals affected with RYR1-related conditions. ClinVar contains an entry for this variant (Variation ID: 851491). Advanced modeling of protein sequence and biophysical properties (such as structural, functional, and spatial information, amino acid conservation, physicochemical variation, residue mobility, and thermodynamic stability) performed at Invitae indicates that this missense variant is expected to disrupt RYR1 protein function with a positive predictive value of 95%. In summary, the available evidence is currently insufficient to determine the role of this variant in disease. Therefore, it has been classified as a Variant of Uncertain Significance.